The following is an entry in ClinVar:

ClinVar aggregate classification (germline): Conflicting classifications of pathogenicity. Review status: criteria provided, conflicting classifications (1 of 4 stars). 2 submissions from 2 submitters: Uncertain significance (1); Likely benign (1). Last evaluated 2023-06-01.

Allele frequency attached by ClinVar (database versions not stated): ExAC 0.00002; gnomAD exomes 0.00002; gnomAD 0.00003; TOPMed 0.00004.
gnomAD v4.1: 29 of 1,614,058 alleles (0.0018%); highest among the groups gnomAD compares: Non-Finnish European, 0.0023%; no homozygotes.

Submissions (2):

CeGaT Center for Human Genetics Tuebingen
Classification: Likely benign. Last evaluated: 2023-06-01. Review status: criteria provided, single submitter. Criteria: CeGaT Center For Human Genetics Tuebingen Variant Classification Criteria Version 2. Collection method: clinical testing. Allele origin: germline. Affected: yes. Observed: 2 variant alleles.
Comment: UBE3B: BP4, BP7

Labcorp Genetics (formerly Invitae), Labcorp
Classification: Uncertain significance. Last evaluated: 2022-07-16. Review status: criteria provided, single submitter. Criteria: Invitae Variant Classification Sherloc (09022015). Collection method: clinical testing. Allele origin: germline.
Comment: This sequence change affects codon 628 of the UBE3B mRNA. It is a 'silent' change, meaning that it does not change the encoded amino acid sequence of the UBE3B protein. This variant is present in population databases (rs773663593, gnomAD 0.007%). This variant has not been reported in the literature in individuals affected with UBE3B-related conditions. Algorithms developed to predict the effect of sequence changes on RNA splicing suggest that this variant may create or strengthen a splice site. In summary, the available evidence is currently insufficient to determine the role of this variant in disease. Therefore, it has been classified as a Variant of Uncertain Significance.

NM_130466.4(UBE3B):c.1884A>G (p.Gln628=)

Gene: UBE3B (ubiquitin protein ligase E3B; plus strand). Cytogenetic location: 12q24.11.
Variant type: single nucleotide variant.
Coding change: c.1884A>G on transcript NM_130466.4 (MANE Select); coding-DNA position 1884, A replaced by G.
Protein change: p.Gln628=; no amino-acid change (glutamine 628 retained).
Molecular consequence: synonymous variant.
Genome position (GRCh38, 1-based): chr12:109,511,231, A>G. VCF-style: chr12-109511231-A-G. GRCh37 (hg19) VCF-style: chr12-109949036-A-G.
Other names: c.1884A>G, p.Gln628= (NM_183415.3).
Identifiers: ClinVar variation 2046497 (VCV002046497.28), dbSNP rs773663593, ClinGen allele CA6778029.